The following is an entry in ClinVar:

ClinVar aggregate classification (germline): Pathogenic. Review status: criteria provided, single submitter (1 of 4 stars). 2 submissions from 2 submitters: Pathogenic (1). 1 of the submissions does not count toward it. Last evaluated 2021-03-01.

Conditions:
Recurrent spontaneous abortion. Identifiers: MedGen C3279439, HP:0200067.
Familial long QT syndrome (RWS). Also called: Congenital long QT syndrome; Romano-Ward syndrome; VENTRICULAR FIBRILLATION WITH PROLONGED QT INTERVAL. Identifiers: Orphanet 768, MedGen C1141890, MONDO:0019171.

Submissions (2):

Laan Lab, Human Genetics Research Group, University of Tartu
Classification: Pathogenic for Recurrent spontaneous abortion. Last evaluated: 2021-03-01. Review status: criteria provided, single submitter. Criteria: ACMG Guidelines, 2015. Collection method: research. Allele origin: maternal, not applicable. Inheritance: Autosomal dominant inheritance. Affected: yes. Observed: 1 variant allele, 1 heterozygote. Functional consequence: Decreased function.
Comment: The p.Val173Asp variant has been previously identified in a patient with LQTS1 (PMID:16414944), but not reported in the gnomAD database. With heterologous expression in CHO cells, in vitro electrophysiologic studies indicated that the mutant channel p.Val173Asp is dysfunctional, showing significantly reduced total IKs steady-state and tail currents with a ~10 mV positive shift of the voltage dependence of activation.

Cardiovascular Biomedical Research Unit, Royal Brompton & Harefield NHS Foundation Trust
No classification provided. Condition: Familial long QT syndrome. Review status: no classification provided. Collection method: literature only. Allele origin: germline. Not counted in ClinVar's aggregate classification.
Comment: This variant has been reported as associated with Long QT syndrome in the following publications (PMID:16414944). This is a literature report, and does not necessarily reflect the clinical interpretation of the Imperial College / Royal Brompton Cardiovascular Genetics laboratory.

Literature cited by the submitters: PubMed 34398675 (cited by Laan Lab, Human Genetics Research Group, University of Tartu); PubMed 16414944 (cited by Cardiovascular Biomedical Research Unit, Royal Brompton & Harefield NHS Foundation Trust); PubMed 22581653 (cited by Cardiovascular Biomedical Research Unit, Royal Brompton & Harefield NHS Foundation Trust).

NM_000218.3(KCNQ1):c.518T>A (p.Val173Asp)

Gene: KCNQ1 (potassium voltage-gated channel subfamily Q member 1; plus strand). Cytogenetic location: 11p15.5.
Variant type: single nucleotide variant.
Coding change: c.518T>A on transcript NM_000218.3 (MANE Select); coding-DNA position 518, T replaced by A.
Protein change: p.Val173Asp; replaces valine 173 with aspartic acid.
Molecular consequence: missense variant.
Genome position (GRCh38, 1-based): chr11:2,570,668, T>A. VCF-style: chr11-2570668-T-A. GRCh37 (hg19) VCF-style: chr11-2591898-T-A.
Other names: c.518T>A (LRG_287t1); c.518T>A, p.Val173Asp (NM_001406836.1); c.248T>A, p.Val83Asp (NM_001406837.1); c.137T>A, p.Val46Asp (NM_181798.2); short protein forms V173D, V46D, V83D.
Identifiers: ClinVar variation 53057 (VCV000053057.9), dbSNP rs199472695, ClinGen allele CA007313.
Genomic context (GRCh38, chr11:2,570,668, plus strand): 5'-GTCCCACTCTGTCCCTGCAGGAGATCGTGCTGGTGGTGTTCTTCGGGACGGAGTACGTGG[T>A]CCGCCTCTGGTCCGCCGGCTGCCGCAGCAAGTACGTGGGCCTCTGGGGGCGGCTGCGCTT-3'
Protein context (NP_000209.2, residues 163-183): LVVFFGTEYV[Val173Asp]RLWSAGCRSK